The following is an entry in ClinVar:

ClinVar aggregate classification (germline): Likely benign (1 of 4 stars; one submission).

gnomAD v4.1: 2,355 of 1,613,326 alleles (0.15%); highest among the groups gnomAD compares: Middle Eastern, 1.2%; 16 homozygotes.

Submission:

CeGaT Center for Human Genetics Tuebingen
Classification: Likely benign. Last evaluated: 2026-05-01. Review status: criteria provided, single submitter. Criteria: CeGaT Center For Human Genetics Tuebingen Variant Classification Criteria Version 2. Collection method: clinical testing. Allele origin: germline. Affected: yes. Observed: 1 variant allele.
Comment: PSMC3IP: BS2

NM_016556.4(PSMC3IP):c.-37A>T

Gene: PSMC3IP (PSMC3 interacting protein; minus strand). Cytogenetic location: 17q21.2.
Variant type: single nucleotide variant.
Coding change: c.-37A>T on transcript NM_016556.4 (MANE Select); 37 bases upstream of the start codon, A replaced by T.
Molecular consequence: 5 prime UTR variant. On other transcripts: non-coding transcript variant (3).
Genome position (GRCh38, 1-based): chr17:42,577,723, T>A on the plus strand (A>T on the coding strand, the complement: PSMC3IP is on the minus strand). VCF-style: chr17-42577723-T-A. GRCh37 (hg19) VCF-style: chr17-40729741-T-A.
Other names: c.-317A>T (NM_001256014.2); c.-407A>T (NM_001256015.2); c.-293A>T (NM_001256016.2); c.-37A>T (NM_013290.7).
Identifiers: ClinVar variation 4871982 (VCV004871982.2).